The following is an entry in ClinVar:

NM_022167.4(XYLT2):c.193G>A (p.Asp65Asn)

Gene: XYLT2 (xylosyltransferase 2; plus strand). Cytogenetic location: 17q21.33.
Variant type: single nucleotide variant.
Coding change: c.193G>A on transcript NM_022167.4 (MANE Select); coding-DNA position 193, G replaced by A.
Protein change: p.Asp65Asn; replaces aspartic acid 65 with asparagine.
Molecular consequence: missense variant.
Genome position (GRCh38, 1-based): chr17:50,353,687, G>A. VCF-style: chr17-50353687-G-A. GRCh37 (hg19) VCF-style: chr17-48431048-G-A.
Other names: short protein forms D65N.
Identifiers: ClinVar variation 1993654 (VCV001993654.4), dbSNP rs1211266718, ClinGen allele CA400194849.

ClinVar aggregate classification (germline): Uncertain significance (1 of 4 stars; one submission).

Allele frequency attached by ClinVar (database versions not stated): gnomAD exomes below 0.00001.
gnomAD v4.1: 1 of 1,565,610 alleles (0.000064%); highest among the groups gnomAD compares: Non-Finnish European, 0.000087%; no homozygotes.

Submission:

Labcorp Genetics (formerly Invitae), Labcorp
Classification: Uncertain significance. Last evaluated: 2022-11-08. Review status: criteria provided, single submitter. Criteria: Invitae Variant Classification Sherloc (09022015). Collection method: clinical testing. Allele origin: germline.
Comment: This variant has not been reported in the literature in individuals affected with XYLT2-related conditions. The frequency data for this variant in the population databases is considered unreliable, as metrics indicate poor data quality at this position in the gnomAD database. This sequence change replaces aspartic acid, which is acidic and polar, with asparagine, which is neutral and polar, at codon 65 of the XYLT2 protein (p.Asp65Asn). Advanced modeling of protein sequence and biophysical properties (such as structural, functional, and spatial information, amino acid conservation, physicochemical variation, residue mobility, and thermodynamic stability) performed at Invitae indicates that this missense variant is not expected to disrupt XYLT2 protein function. In summary, the available evidence is currently insufficient to determine the role of this variant in disease. Therefore, it has been classified as a Variant of Uncertain Significance.